The following is an entry in ClinVar:

ClinVar aggregate classification (germline): Uncertain significance (1 of 4 stars; one submission).

Conditions:
Tuberous sclerosis 1 (TSC1). Identifiers: Orphanet 805, MedGen C1854465, MONDO:0008612, OMIM 191100.

Submission:

Labcorp Genetics (formerly Invitae), Labcorp
Classification: Uncertain significance for Tuberous sclerosis 1. Last evaluated: 2021-09-02. Review status: criteria provided, single submitter. Criteria: Invitae Variant Classification Sherloc (09022015). Collection method: clinical testing. Allele origin: germline.
Comment: This sequence change replaces serine with phenylalanine at codon 332 of the TSC1 protein (p.Ser332Phe). The serine residue is weakly conserved and there is a large physicochemical difference between serine and phenylalanine. This variant is not present in population databases (ExAC no frequency). This variant has not been reported in the literature in individuals affected with TSC1-related conditions. Algorithms developed to predict the effect of missense changes on protein structure and function output the following: SIFT: "Deleterious"; PolyPhen-2: "Benign"; Align-GVGD: "Class C0". The phenylalanine amino acid residue is found in multiple mammalian species, which suggests that this missense change does not adversely affect protein function. In summary, the available evidence is currently insufficient to determine the role of this variant in disease. Therefore, it has been classified as a Variant of Uncertain Significance.

NM_000368.5(TSC1):c.995C>T (p.Ser332Phe)

Gene: TSC1 (TSC complex subunit 1; minus strand). Cytogenetic location: 9q34.13.
Variant type: single nucleotide variant.
Coding change: c.995C>T on transcript NM_000368.5 (MANE Select); coding-DNA position 995, C replaced by T.
Protein change: p.Ser332Phe; replaces serine 332 with phenylalanine.
Molecular consequence: missense variant.
Genome position (GRCh38, 1-based): chr9:132,911,487, G>A on the plus strand (C>T on the coding strand, the complement: TSC1 is on the minus strand). VCF-style: chr9-132911487-G-A. GRCh37 (hg19) VCF-style: chr9-135786874-G-A.
Other names: c.995C>T, p.Ser332Phe (NM_001162426.2); c.842C>T, p.Ser281Phe (NM_001162427.2); c.632C>T, p.Ser211Phe (NM_001362177.2); short protein forms S281F, S332F, S211F.
Identifiers: ClinVar variation 1463656 (VCV001463656.6), dbSNP rs2131975937, ClinGen allele CA375368568.
Genomic context (GRCh38, chr9:132,911,487, plus strand): 5'-AGCAGGCACACTAGTTGACACCATACTTGTGGTGGTTCAGTTATCAGCCGTGTCGATGGG[G>A]AACTCAGAGTCTGAGGTAGCTGCCCTGGCATATTTAACAACATCAGCCGAGACGTGGAGT-3'
Protein context (NP_000359.1, residues 322-342): MPGQLPQTLS[Ser332Phe]PSTRLITEPP